The following is an entry in ClinVar:

ClinVar aggregate classification (germline): Conflicting classifications of pathogenicity. Review status: criteria provided, conflicting classifications (1 of 4 stars). 7 submissions from 5 submitters: Uncertain significance (2); Benign (2); Likely benign (3). Last evaluated 2025-01-01.

Conditions:
TP63-Related Spectrum Disorders.
Ectrodactyly, ectodermal dysplasia, and cleft lip-palate syndrome 3. Also called: Ectrodactyly, Ectodermal Dysplasia, Cleft Lip/Palate Syndrome 3 (EEC3); Ectrodactyly, Ectodermal Dysplasia, Clefting Syndrome; Ectrodactyly, Ectodermal Dysplasia, Clefting Syndrome Type 3 (EEC3); EEC SYNDROME 3. Identifiers: Orphanet 1896, MedGen C1858562, MONDO:0011428, OMIM 604292.
Orofacial cleft 8. Also called: Cleft lip with or without cleft palate, nonsyndromic, 8. Identifiers: MedGen C1851878, MONDO:0029145, OMIM 618149.

Allele frequency attached by ClinVar (database versions not stated): ESP Exome Variant Server 0.00015; TOPMed 0.00015; gnomAD 0.00019 and 0.00021; gnomAD exomes 0.00027 and 0.00039; ExAC 0.00031.
gnomAD v4.1: 585 of 1,614,110 alleles (0.036%); highest among the groups gnomAD compares: Non-Finnish European, 0.048%; 1 homozygote.

Submissions (7):

Labcorp Genetics (formerly Invitae), Labcorp
Classification: Likely benign. Last evaluated: 2025-01-01. Review status: criteria provided, single submitter. Criteria: Invitae Variant Classification Sherloc (09022015). Collection method: clinical testing. Allele origin: germline.

Blueprint Genetics
Classification: Likely benign. Last evaluated: 2024-08-28. Review status: criteria provided, single submitter. Criteria: ACMG Guidelines, 2015. Collection method: clinical testing. Allele origin: germline.

CeGaT Center for Human Genetics Tuebingen
Classification: Likely benign. Last evaluated: 2022-08-01. Review status: criteria provided, single submitter. Criteria: CeGaT Center For Human Genetics Tuebingen Variant Classification Criteria Version 2. Collection method: clinical testing. Allele origin: germline. Affected: yes. Observed: 1 variant allele.
Comment: TP63: BP4, BS2

Illumina Laboratory Services, Illumina
Classification: Uncertain significance for Orofacial cleft 8. Last evaluated: 2018-01-13. Review status: criteria provided, single submitter. Criteria: ICSL Variant Classification Criteria 13 December 2019. Collection method: clinical testing. Allele origin: germline.

Illumina Laboratory Services, Illumina
Classification: Benign for Ectrodactyly, ectodermal dysplasia, and cleft lip-palate syndrome 3. Last evaluated: 2018-01-13. Review status: criteria provided, single submitter. Criteria: ICSL Variant Classification Criteria 13 December 2019. Collection method: clinical testing. Allele origin: germline.
Comment: This variant was observed in the ICSL laboratory as part of a predisposition screen in an ostensibly healthy population. It had not been previously curated by ICSL or reported in the Human Gene Mutation Database (HGMD: prior to June 1st, 2018), and was therefore a candidate for classification through an automated scoring system. Utilizing variant allele frequency, disease prevalence and penetrance estimates, and inheritance mode, an automated score was calculated to assess if this variant is too frequent to cause the disease. Based on the score and internal cut-off values, a variant classified as benign is not then subjected to further curation. The score for this variant resulted in a classification of benign for this disease.

Illumina Laboratory Services, Illumina
Classification: Benign for TP63-Related Spectrum Disorders. Last evaluated: 2018-01-13. Review status: criteria provided, single submitter. Criteria: ICSL Variant Classification Criteria 13 December 2019. Collection method: clinical testing. Allele origin: germline.
Comment: the same text as in the submission from Illumina Laboratory Services, Illumina above.

Eurofins Ntd Llc (ga)
Classification: Uncertain significance. Last evaluated: 2017-11-07. Review status: criteria provided, single submitter. Criteria: EGL Classification Definitions 2015. Collection method: clinical testing. Allele origin: germline. Observed: 1 variant allele, 1 heterozygote.

NM_003722.5(TP63):c.504C>T (p.Asn168=)

Gene: TP63 (tumor protein p63; plus strand). Cytogenetic location: 3q28.
Variant type: single nucleotide variant.
Coding change: c.504C>T on transcript NM_003722.5 (MANE Select); coding-DNA position 504, C replaced by T.
Protein change: p.Asn168=; no amino-acid change (asparagine 168 retained).
Molecular consequence: synonymous variant. On other transcripts: intron variant (2).
Genome position (GRCh38, 1-based): chr3:189,808,451, C>T. VCF-style: chr3-189808451-C-T. GRCh37 (hg19) VCF-style: chr3-189526240-C-T.
Other names: c.504C>T, p.Asn168= (NM_001114978.2, NM_001114979.2, NM_001329144.2 and 1 more transcripts); c.222C>T, p.Asn74= (NM_001114980.2, NM_001114981.2, NM_001114982.2 and 2 more transcripts); c.498C>T, p.Asn166= (NM_001329964.2); c.42+18609C>T (NM_001329146.2, NM_001329150.2).
Identifiers: ClinVar variation 594695 (VCV000594695.42), dbSNP rs141278696, ClinGen allele CA2752155.